The following is an entry in ClinVar:

ClinVar aggregate classification (germline): Pathogenic (1 of 4 stars; one submission).

Conditions:
Duchenne muscular dystrophy (DMD). Also called: MUSCULAR DYSTROPHY, PSEUDOHYPERTROPHIC PROGRESSIVE, DUCHENNE TYPE; Duchenne Muscular Dystrophy (DMD). Identifiers: Orphanet 98896, MedGen C0013264, MONDO:0010679, OMIM 310200.

Submission:

Labcorp Genetics (formerly Invitae), Labcorp
Classification: Pathogenic for Duchenne muscular dystrophy. Last evaluated: 2019-09-17. Review status: criteria provided, single submitter. Criteria: Invitae Variant Classification Sherloc (09022015). Collection method: clinical testing. Allele origin: germline.
Comment: This variant is an in-frame deletion of the genomic region encompassing exon 47 of the DMD gene. It preserves the integrity of the reading frame. Similar deletion of exon 47 has been observed in several individuals affected with Duchenne muscular dystrophy (PMID: 18353051) and in individuals affected with Becker muscular dystrophy and dilated cardiomyopathy (PMID: 8413368). For these reasons, this variant has been classified as Pathogenic.

Literature cited by the submitters: PubMed 18353051; PubMed 8413368.

NC_000023.11:g.(?_31929586)_(31929755_?)del

Gene: DMD (dystrophin; minus strand). Cytogenetic location: Xp21.1.
Variant type: Deletion.
Identifiers: ClinVar variation 658973 (VCV000658973.2).